The following is an entry in ClinVar:

ClinVar aggregate classification (germline): Pathogenic (1 of 4 stars; one submission).

Conditions:
Werner syndrome (WRN). Identifiers: Orphanet 902, MedGen C0043119, MONDO:0010196, OMIM 277700.

Submission:

Labcorp Genetics (formerly Invitae), Labcorp
Classification: Pathogenic for Werner syndrome. Last evaluated: 2023-09-10. Review status: criteria provided, single submitter. Criteria: Invitae Variant Classification Sherloc (09022015). Collection method: clinical testing. Allele origin: germline.
Comment: For these reasons, this variant has been classified as Pathogenic. Algorithms developed to predict the effect of sequence changes on RNA splicing suggest that this variant may create or strengthen a splice site. ClinVar contains an entry for this variant (Variation ID: 1076184). This variant has not been reported in the literature in individuals affected with WRN-related conditions. This variant is not present in population databases (gnomAD no frequency). This sequence change creates a premature translational stop signal (p.Arg940Serfs*34) in the WRN gene. It is expected to result in an absent or disrupted protein product. Loss-of-function variants in WRN are known to be pathogenic (PMID: 16673358).

Literature cited by the submitters: PubMed 16673358.

NM_000553.6(WRN):c.2820del (p.Arg940fs)

Gene: WRN (WRN RecQ like helicase; plus strand). Cytogenetic location: 8p12.
Variant type: Deletion.
Coding change: c.2820del on transcript NM_000553.6 (MANE Select); coding-DNA position 2820, one base deleted (G; older notation c.2820delG).
Protein change: p.Arg940fs; shifts the reading frame from arginine 940.
Molecular consequence: frameshift variant.
Genome position (GRCh38, 1-based): chr8:31,124,995, G deleted; the last of 2 consecutive G bases (chr8:31,124,994-31,124,995); deleting either gives the same sequence. VCF-style (leftmost placement, unchanged base first): chr8-31124993-AG-A. GRCh37 (hg19) VCF-style: chr8-30982509-AG-A.
Other names: short protein forms R940fs.
Identifiers: ClinVar variation 1076184 (VCV001076184.5), dbSNP rs2130344836, ClinGen allele CA2499219262.